The following is an entry in ClinVar:

NM_003982.4(SLC7A7):c.272C>T (p.Ala91Val)

Gene: SLC7A7 (solute carrier family 7 member 7; minus strand). Cytogenetic location: 14q11.2.
Variant type: single nucleotide variant.
Coding change: c.272C>T on transcript NM_003982.4 (MANE Select); coding-DNA position 272, C replaced by T.
Protein change: p.Ala91Val; replaces alanine 91 with valine.
Molecular consequence: missense variant.
Genome position (GRCh38, 1-based): chr14:22,813,127, G>A on the plus strand (C>T on the coding strand, the complement: SLC7A7 is on the minus strand). VCF-style: chr14-22813127-G-A. GRCh37 (hg19) VCF-style: chr14-23282336-G-A.
Other names: p.Ala91Val; c.272C>T, p.Ala91Val (NM_001126105.3, NM_001126106.4); short protein forms A91V.
Identifiers: ClinVar variation 380186 (VCV000380186.59), dbSNP rs11568438, ClinGen allele CA7104737.

ClinVar aggregate classification (germline): Benign/Likely benign. Review status: criteria provided, multiple submitters, no conflicts (2 of 4 stars). 13 submissions from 13 submitters: Benign (9); Likely benign (1). 3 of the submissions do not count toward it. Last evaluated 2026-07-01.

Conditions:
Autoinflammatory syndrome. Identifiers: Orphanet 93665, MedGen C3890737, MONDO:0019751.
Lysinuric protein intolerance (LPI). Identifiers: Orphanet 470, MedGen C0268647, MONDO:0009109, OMIM 222700.

Allele frequency attached by ClinVar (database versions not stated): ESP Exome Variant Server 0.01430; gnomAD 0.01617; 1000 Genomes Project 0.00419; 1000 Genomes Project 30x 0.00468; ExAC 0.01225; TOPMed 0.01275.

Submissions (13):

CeGaT Center for Human Genetics Tuebingen
Classification: Benign. Last evaluated: 2026-07-01. Review status: criteria provided, single submitter. Criteria: CeGaT Center For Human Genetics Tuebingen Variant Classification Criteria Version 2. Collection method: clinical testing. Allele origin: germline. Affected: yes. Observed: 51 variant alleles.
Comment: SLC7A7: BS1, BS2

Labcorp Genetics (formerly Invitae), Labcorp
Classification: Benign for Lysinuric protein intolerance. Last evaluated: 2026-02-04. Review status: criteria provided, single submitter. Criteria: Invitae Variant Classification Sherloc (09022015). Collection method: clinical testing. Allele origin: germline.

Mayo Clinic Laboratories, Mayo Clinic
Classification: Benign. Last evaluated: 2025-04-21. Review status: criteria provided, single submitter. Criteria: ACMG Guidelines, 2015. Collection method: clinical testing. Allele origin: germline. Observed: 24 variant alleles.
Comment: BS1, BS2

Blueprint Genetics
Classification: Likely benign. Last evaluated: 2024-11-27. Review status: criteria provided, single submitter. Criteria: ACMG Guidelines, 2015. Collection method: clinical testing. Allele origin: germline.

Genome Diagnostics Laboratory, The Hospital for Sick Children
Classification: Benign for Autoinflammatory syndrome. Last evaluated: 2022-04-19. Review status: criteria provided, single submitter. Criteria: ACMG Guidelines, 2015. Collection method: clinical testing. Allele origin: germline. Affected: yes.

Genome-Nilou Lab
Classification: Benign for Lysinuric protein intolerance. Last evaluated: 2021-11-07. Review status: criteria provided, single submitter. Criteria: ACMG Guidelines, 2015. Collection method: clinical testing. Allele origin: germline. Affected: no.

Women's Health and Genetics/Laboratory Corporation of America, LabCorp
Classification: Benign. Last evaluated: 2021-05-03. Review status: criteria provided, single submitter. Criteria: LabCorp Variant Classification Summary - May 2015. Collection method: clinical testing. Allele origin: germline.
Comment: Variant summary: SLC7A7 c.272C>T (p.Ala91Val) results in a non-conservative amino acid change in the encoded protein sequence. Three of three in-silico tools predict a damaging effect of the variant on protein function. The variant allele was found at a frequency of 0.012 in 251372 control chromosomes in the gnomAD database, including 28 homozygotes. The observed variant frequency is approximately 11 fold of the estimated maximal expected allele frequency for a pathogenic variant in SLC7A7 causing Lysinuric Protein Intolerance phenotype (0.0011), strongly suggesting that the variant is benign. To our knowledge, no occurrence of c.272C>T in individuals affected with Lysinuric Protein Intolerance and no experimental evidence demonstrating its impact on protein function have been reported. Three clinical diagnostic laboratories have submitted clinical-significance assessments for this variant to ClinVar after 2014 without evidence for independent evaluation. All laboratories classified the variant as benign. Based on the evidence outlined above, the variant was classified as benign.

Illumina Laboratory Services, Illumina
Classification: Benign for Lysinuric protein intolerance. Last evaluated: 2018-01-13. Review status: criteria provided, single submitter. Criteria: ICSL Variant Classification Criteria 13 December 2019. Collection method: clinical testing. Allele origin: germline.
Comment: This variant was observed in the ICSL laboratory as part of a predisposition screen in an ostensibly healthy population. It had not been previously curated by ICSL or reported in the Human Gene Mutation Database (HGMD: prior to June 1st, 2018), and was therefore a candidate for classification through an automated scoring system. Utilizing variant allele frequency, disease prevalence and penetrance estimates, and inheritance mode, an automated score was calculated to assess if this variant is too frequent to cause the disease. Based on the score and internal cut-off values, a variant classified as benign is not then subjected to further curation. The score for this variant resulted in a classification of benign for this disease.

GeneDx
Classification: Benign. Last evaluated: 2016-12-07. Review status: criteria provided, single submitter. Criteria: GeneDx Variant Classification (06012015). Collection method: clinical testing. Allele origin: germline. Affected: yes.
Comment: This variant is considered likely benign or benign based on one or more of the following criteria: it is a conservative change, it occurs at a poorly conserved position in the protein, it is predicted to be benign by multiple in silico algorithms, and/or has population frequency not consistent with disease.

Breakthrough Genomics
Classification: Benign. Review status: criteria provided, single submitter. Criteria: ACMG Guidelines, 2015. Collection method: not provided. Allele origin: germline. Inheritance: Autosomal recessive inheritance. Affected: yes.

Natera, Inc.
Classification: Likely benign for Lysinuric protein intolerance. Last evaluated: 2019-11-27. Review status: no assertion criteria provided. Collection method: clinical testing. Allele origin: germline. Not counted in ClinVar's aggregate classification.

Clinical Genetics, Academic Medical Center
Classification: Likely benign. Review status: no assertion criteria provided. Collection method: clinical testing. Allele origin: germline. Affected: yes. Study: VKGL Data-share Consensus. Not counted in ClinVar's aggregate classification.

Genome Diagnostics Laboratory, University Medical Center Utrecht
Classification: Likely benign. Review status: no assertion criteria provided. Collection method: clinical testing. Allele origin: germline. Affected: yes. Study: VKGL Data-share Consensus. Not counted in ClinVar's aggregate classification.